The following is an entry in ClinVar:

ClinVar aggregate classification (germline): Uncertain significance. Review status: criteria provided, multiple submitters, no conflicts (2 of 4 stars). 2 submissions from 2 submitters: Uncertain significance (2). Last evaluated 2025-11-24.

Allele frequency attached by ClinVar (database versions not stated): gnomAD 0.00001.

Submissions (2):

Ambry Genetics
Classification: Uncertain significance. Last evaluated: 2025-11-24. Review status: criteria provided, single submitter. Criteria: Ambry Variant Classification Scheme 2023. Collection method: clinical testing. Allele origin: germline.

Labcorp Genetics (formerly Invitae), Labcorp
Classification: Uncertain significance. Last evaluated: 2022-09-07. Review status: criteria provided, single submitter. Criteria: Invitae Variant Classification Sherloc (09022015). Collection method: clinical testing. Allele origin: germline.
Comment: Algorithms developed to predict the effect of missense changes on protein structure and function are either unavailable or do not agree on the potential impact of this missense change (SIFT: "Tolerated"; PolyPhen-2: "Not Available"; Align-GVGD: "Class C0"). In summary, the available evidence is currently insufficient to determine the role of this variant in disease. Therefore, it has been classified as a Variant of Uncertain Significance. This variant is not present in population databases (gnomAD no frequency). This sequence change replaces alanine, which is neutral and non-polar, with threonine, which is neutral and polar, at codon 2824 of the WDR87 protein (p.Ala2824Thr). This variant has not been reported in the literature in individuals affected with WDR87-related conditions. ClinVar contains an entry for this variant (Variation ID: 1393279).

NM_001291088.2(WDR87):c.8587G>A (p.Ala2863Thr)

Gene: WDR87 (WD repeat domain 87; minus strand). Cytogenetic location: 19q13.13.
Variant type: single nucleotide variant.
Coding change: c.8587G>A on transcript NM_001291088.2 (MANE Select); coding-DNA position 8587, G replaced by A.
Protein change: p.Ala2863Thr; replaces alanine 2863 with threonine.
Molecular consequence: missense variant.
Genome position (GRCh38, 1-based): chr19:37,885,084, C>T on the plus strand (G>A on the coding strand, the complement: WDR87 is on the minus strand). VCF-style: chr19-37885084-C-T. GRCh37 (hg19) VCF-style: chr19-38375724-C-T.
Other names: c.8470G>A, p.Ala2824Thr (NM_031951.5); c.8470G>A (NM_031951.3); short protein forms A2824T, A2863T.
Identifiers: ClinVar variation 1393279 (VCV001393279.7), dbSNP rs1007206118, ClinGen allele CA308017982.